The following is an entry in ClinVar:

ClinVar aggregate classification (germline): Likely pathogenic (1 of 4 stars; one submission).

Conditions:
Marfan syndrome (MFS). Also called: MARFAN SYNDROME, TYPE I; Marfan syndrome type 1; Marfan's syndrome; Marfan syndrome, classic; FBN1-Related Marfan Syndrome. Identifiers: Orphanet 284963, Orphanet 558, MedGen C0024796, MONDO:0007947, OMIM 154700.
Familial thoracic aortic aneurysm and aortic dissection (TAAD). Also called: Thoracic aortic aneurysms and dissections. Identifiers: Orphanet 91387, MedGen C4707243, MONDO:0019625.

Submission:

Labcorp Genetics (formerly Invitae), Labcorp
Classification: Likely pathogenic for Marfan syndrome; Familial thoracic aortic aneurysm and aortic dissection. Last evaluated: 2024-08-12. Review status: criteria provided, single submitter. Criteria: Invitae Variant Classification Sherloc (09022015). Collection method: clinical testing. Allele origin: germline.
Comment: This sequence change replaces aspartic acid, which is acidic and polar, with tyrosine, which is neutral and polar, at codon 2487 of the FBN1 protein (p.Asp2487Tyr). This variant is not present in population databases (gnomAD no frequency). This variant has not been reported in the literature in individuals affected with FBN1-related conditions. Advanced modeling of protein sequence and biophysical properties (such as structural, functional, and spatial information, amino acid conservation, physicochemical variation, residue mobility, and thermodynamic stability) performed at Invitae indicates that this missense variant is expected to disrupt FBN1 protein function with a positive predictive value of 95%. This variant disrupts the p.Asp2487 amino acid residue in FBN1. Other variant(s) that disrupt this residue have been determined to be pathogenic (Invitae). This suggests that this residue is clinically significant, and that variants that disrupt this residue are likely to be disease-causing. In summary, the currently available evidence indicates that the variant is pathogenic, but additional data are needed to prove that conclusively. Therefore, this variant has been classified as Likely Pathogenic.

NM_000138.5(FBN1):c.7459G>T (p.Asp2487Tyr)

Gene: FBN1 (fibrillin 1; minus strand). Cytogenetic location: 15q21.1.
Variant type: single nucleotide variant.
Coding change: c.7459G>T on transcript NM_000138.5 (MANE Select); coding-DNA position 7459, G replaced by T.
Protein change: p.Asp2487Tyr; replaces aspartic acid 2487 with tyrosine.
Molecular consequence: missense variant.
Genome position (GRCh38, 1-based): chr15:48,422,063, C>A on the plus strand (G>T on the coding strand, the complement: FBN1 is on the minus strand). VCF-style: chr15-48422063-C-A. GRCh37 (hg19) VCF-style: chr15-48714260-C-A.
Other names: c.7459G>T, p.Asp2487Tyr (NM_001406716.1); short protein forms D2487Y.
Identifiers: ClinVar variation 3754041 (VCV003754041.2).